The following is an entry in ClinVar:

ClinVar aggregate classification (germline): Benign/Likely benign. Review status: criteria provided, multiple submitters, no conflicts (2 of 4 stars). 5 submissions from 5 submitters: Benign (4); Likely benign (1). Last evaluated 2026-01-26.

Conditions:
Autosomal recessive nonsyndromic hearing loss 12. Also called: DEAFNESS, AUTOSOMAL RECESSIVE 12. Identifiers: Orphanet 90636, MedGen C1832394, MONDO:0011067, OMIM 601386.
Pituitary adenoma 5, multiple types. Identifiers: MedGen C4539685, MONDO:0054601, OMIM 617540.
Usher syndrome type 1D (USH1D). Also called: USHER SYNDROME, TYPE ID. Identifiers: Orphanet 231169, Orphanet 886, MedGen C1832845, MONDO:0010984, OMIM 601067.

Submissions (5):

Labcorp Genetics (formerly Invitae), Labcorp
Classification: Benign. Last evaluated: 2026-01-26. Review status: criteria provided, single submitter. Criteria: Invitae Variant Classification Sherloc (09022015). Collection method: clinical testing. Allele origin: germline.

Fulgent Genetics
Classification: Likely benign for Usher syndrome type 1D; Autosomal recessive nonsyndromic hearing loss 12; Pituitary adenoma 5, multiple types. Last evaluated: 2021-07-28. Review status: criteria provided, single submitter. Criteria: ACMG Guidelines, 2015. Collection method: clinical testing. Allele origin: unknown.

GeneDx
Classification: Benign. Last evaluated: 2019-05-15. Review status: criteria provided, single submitter. Criteria: GeneDx Variant Classification Process June 2021. Collection method: clinical testing. Allele origin: germline. Affected: yes.

Eurofins Ntd Llc (ga)
Classification: Benign. Last evaluated: 2016-11-04. Review status: criteria provided, single submitter. Criteria: EGL Classification Definitions 2015. Collection method: clinical testing. Allele origin: germline. Observed: 1 variant allele, 1 homozygote.

Laboratory for Molecular Medicine, Mass General Brigham Personalized Medicine
Classification: Benign. Last evaluated: 2016-03-03. Review status: criteria provided, single submitter. Criteria: LMM Criteria. Collection method: clinical testing. Allele origin: germline. Observed: 1 variant allele.
Comment: c.8120_8121delinsTT (p.Pro2707Leu) in exon 57 of CDH23: This variant is not exp ected to have clinical significance because it has been identified in 1% (86/832 4) of South Asian chromosomes by the Exome Aggregation Consortium (ExAC; dbSNP rs377535432 and rs373230009).

NC_000010.11:g.71806223_71806224delinsTT

Gene: CDH23 (cadherin related 23; plus strand). Cytogenetic location: 10q22.1.
Variant type: Indel.
Genome position: GRCh38 VCF-style: chr10-71806223-CG-TT. GRCh37 (hg19) VCF-style: chr10-73565980-CG-TT.
Other names: c.1400_1401delinsTT, p.Pro467Leu (NM_001171933.1, NM_001171934.1); c.8120_8121delinsTT, p.Pro2707Leu (NM_022124.6); short protein forms P2707L, P467L.
Identifiers: ClinVar variation 226499 (VCV000226499.20), dbSNP rs876657422, ClinGen allele CA10576818.